The following is an entry in ClinVar:

NM_019888.3(MC3R):c.578T>A (p.Ile193Asn)

Gene: MC3R (melanocortin 3 receptor; plus strand). Cytogenetic location: 20q13.2.
Variant type: single nucleotide variant.
Coding change: c.578T>A on transcript NM_019888.3 (MANE Select); coding-DNA position 578, T replaced by A.
Protein change: p.Ile193Asn; replaces isoleucine 193 with asparagine.
Molecular consequence: missense variant.
Genome position (GRCh38, 1-based): chr20:56,249,421, T>A. VCF-style: chr20-56249421-T-A. GRCh37 (hg19) VCF-style: chr20-54824477-T-A.
Other names: short protein forms I193N.
Identifiers: ClinVar variation 2634086 (VCV002634086.3), dbSNP rs767948272, ClinGen allele CA9917041.
Genomic context (GRCh38, chr20:56,249,421, plus strand): 5'-GCGTCTGTGGCGTGGTGTTCATCGTCTACTCGGAGAGCAAAATGGTCATTGTGTGCCTCA[T>A]CACCATGTTCTTCGCCATGATGCTCCTCATGGGCACCCTCTACGTGCACATGTTCCTCTT-3'
Protein context (NP_063941.3, residues 183-203): SESKMVIVCL[Ile193Asn]TMFFAMMLLM

ClinVar aggregate classification (germline): Uncertain significance. Review status: criteria provided, single submitter (1 of 4 stars). 2 submissions from 2 submitters: Uncertain significance (1). 1 of the submissions does not count toward it. Last evaluated 2025-05-21.

Conditions:
MC3R-related disorder. Also called: MC3R-related condition.

Allele frequency attached by ClinVar (database versions not stated): gnomAD 0.00001; gnomAD exomes 0.00002; ExAC 0.00003; TOPMed 0.00003.

Submissions (2):

Ambry Genetics
Classification: Uncertain significance. Last evaluated: 2025-05-21. Review status: criteria provided, single submitter. Criteria: Ambry Variant Classification Scheme 2023. Collection method: clinical testing. Allele origin: germline.

PreventionGenetics, part of Exact Sciences
Classification: Uncertain significance for MC3R-related condition. Last evaluated: 2024-05-08. Review status: no assertion criteria provided. Collection method: clinical testing. Allele origin: germline. Not counted in ClinVar's aggregate classification.
Comment: The MC3R c.578T>A variant is predicted to result in the amino acid substitution p.Ile193Asn. To our knowledge, this variant has not been reported in the literature. This variant is reported in 0.032% of alleles in individuals of Latino descent in gnomAD. At this time, the clinical significance of this variant is uncertain due to the absence of conclusive functional and genetic evidence.